The following is an entry in ClinVar:

ClinVar aggregate classification (germline): Pathogenic/Likely pathogenic. Review status: criteria provided, multiple submitters, no conflicts (2 of 4 stars). 12 submissions from 12 submitters: Pathogenic (7); Likely pathogenic (4). 1 of the submissions does not count toward it. Last evaluated 2026-04-18.

Conditions:
Fetal akinesia deformation sequence 2. Identifiers: MedGen C4760576, MONDO:0100102, OMIM 618388.
Congenital myasthenic syndrome 11. Also called: MYASTHENIC SYNDROME, CONGENITAL, Ie; Myasthenic syndrome, congenital, 11, associated with acetylcholine receptor deficiency. Identifiers: Orphanet 590, MedGen C4225367, MONDO:0014588, OMIM 616326.
Fetal akinesia deformation sequence 1 (FADS1). Also called: Pena-Shokeir syndrome type I; Fetal akinesia sequence. Identifiers: Orphanet 994, MedGen C1276035, MONDO:0100101, OMIM 208150, HP:0001989.
RAPSN-related disorder. Also called: RAPSN-related disorders; RAPSN-related condition. Identifiers: MedGen CN239397.
Congenital myasthenic syndrome (CMS). Also called: Congenital Myasthenic Syndromes. Identifiers: Orphanet 590, MedGen C0751882, MeSH D020294, MONDO:0018940.

Allele frequency attached by ClinVar (database versions not stated): TOPMed 0.00003; ExAC 0.00004; gnomAD 0.00001; gnomAD exomes 0.00001 and 0.00003.
gnomAD v4.1: 16 of 1,613,200 alleles (0.00099%); highest among the groups gnomAD compares: Admixed American, 0.01%; no homozygotes.

Submissions (12):

PreventionGenetics, part of Exact Sciences
Classification: Pathogenic for RAPSN-related condition. Last evaluated: 2026-04-18. Review status: criteria provided, single submitter. Criteria: ACMG Guidelines, 2015. Collection method: clinical testing. Allele origin: germline.
Comment: The RAPSN c.493G>A variant is predicted to result in the amino acid substitution p.Val165Met. This variant has been reported in the compound heterozygous state in multiple individuals with congenital myasthenic syndrome (Richard et al. 2003. PubMed ID: 12807980; Imperatore et al. 2016. PubMed ID: 26927095; Natera-de Benito et al. 2017. PubMed ID: 29054425; Estephan et al. 2021. PubMed ID: 34749429). This variant is reported in 0.017% of alleles in individuals of Latino descent in gnomAD. This variant is interpreted as pathogenic.

Natera, Inc.
Classification: Pathogenic for Congenital myasthenic syndrome. Last evaluated: 2026-01-23. Review status: criteria provided, single submitter. Criteria: Natera Variant Classification Schema (03/2026). Collection method: clinical testing. Allele origin: germline.
Comment: The c.493G>A variant in RAPSN is a missense variant predicted to cause substitution of valine to methionine at amino acid 165. This variant is rare in the general population with a frequency below the threshold expected for the associated phenotype(s). This variant has been observed in one or more individuals affected with the associated recessive disease, as either homozygous or compound heterozygous with a second variant (PMID: 12807980, 19620612, 26927095, 36522822). Computational prediction algorithms indicate this variant is likely to affect gene or protein function. Given the available evidence, this variant is classified as Pathogenic.

Labcorp Genetics (formerly Invitae), Labcorp
Classification: Pathogenic for Congenital myasthenic syndrome 11; Fetal akinesia deformation sequence 1. Last evaluated: 2025-12-15. Review status: criteria provided, single submitter. Criteria: Invitae Variant Classification Sherloc (09022015). Collection method: clinical testing. Allele origin: germline.
Comment: This sequence change replaces valine, which is neutral and non-polar, with methionine, which is neutral and non-polar, at codon 165 of the RAPSN protein (p.Val165Met). This variant is present in population databases (rs761584017, gnomAD 0.01%). This missense change has been observed in individual(s) with congenital myasthenic syndrome (PMID: 12807980, 19620612, 26927095, 29054425, 30266223). In at least one individual the data is consistent with being in trans (on the opposite chromosome) from a pathogenic variant. ClinVar contains an entry for this variant (Variation ID: 856323). Invitae Evidence Modeling of protein sequence and biophysical properties (such as structural, functional, and spatial information, amino acid conservation, physicochemical variation, residue mobility, and thermodynamic stability) indicates that this missense variant is expected to disrupt RAPSN protein function with a positive predictive value of 95%. For these reasons, this variant has been classified as Pathogenic.

Variantyx, Inc.
Classification: Pathogenic for Congenital myasthenic syndrome 11. Last evaluated: 2025-08-05. Review status: criteria provided, single submitter. Criteria: Variantyx Assertion Criteria 2022. Collection method: clinical testing. Allele origin: germline. Inheritance: Autosomal recessive inheritance. Affected: no.
Comment: This is a nonsynonymous variant in the RAPSN gene (OMIM: 601592). Pathogenic variants in this gene have been associated with autosomal recessive congenital myasthenic syndrome 11 associated with acetylcholine receptor deficiency. This variant has been identified in the homozygous or compound heterozygous state at least 5 individuals reported in the published literature (PMID: 12807980, 19620612, 26927095, 29054425, 30266223) (PM3) and it has been observed to segregate with disease in at least 2 individuals from one family (PMID: 38278647) (PP1). This variant has a 0.0100% maximum allele frequency in non-founder control populations (PM2). Computational algorithms produce conflicting evidence regarding the predicted functional impact of this variant (REVEL score: 0.418). Based on the current evidence, this variant is classified as pathogenic for autosomal recessive congenital myasthenic syndrome 11 associated with acetylcholine receptor deficiency.

Revvity Omics, Revvity
Classification: Likely pathogenic. Last evaluated: 2025-07-02. Review status: criteria provided, single submitter. Criteria: ACMG Guidelines, 2015. Collection method: clinical testing. Allele origin: germline.

GeneDx
Classification: Likely pathogenic. Last evaluated: 2025-04-29. Review status: criteria provided, single submitter. Criteria: GeneDx Variant Classification Process June 2021. Collection method: clinical testing. Allele origin: germline. Affected: yes.
Comment: In silico analysis indicates that this missense variant does not alter protein structure/function; This variant is associated with the following publications: (PMID: 34749429, 22678886, 17878953, 33857205, 26927095, 30266223, 19620612, 32403337, 29054425, 38278647, 12807980)

Baylor Genetics
Classification: Likely pathogenic for Fetal akinesia deformation sequence 2. Last evaluated: 2024-03-27. Review status: criteria provided, single submitter. Criteria: ACMG Guidelines, 2015. Collection method: clinical testing. Allele origin: unknown.

Fulgent Genetics
Classification: Pathogenic for Congenital myasthenic syndrome 11; Fetal akinesia deformation sequence 2. Last evaluated: 2024-01-05. Review status: criteria provided, single submitter. Criteria: ACMG Guidelines, 2015. Collection method: clinical testing. Allele origin: germline.

Blueprint Genetics
Classification: Pathogenic for RAPSN-related disorders. Last evaluated: 2023-04-20. Review status: criteria provided, single submitter. Criteria: ACMG Guidelines, 2015. Collection method: clinical testing. Allele origin: germline. Affected: yes. Observed: 1 variant allele.

Women's Health and Genetics/Laboratory Corporation of America, LabCorp
Classification: Pathogenic for Congenital myasthenic syndrome. Last evaluated: 2023-02-27. Review status: criteria provided, single submitter. Criteria: LabCorp Variant Classification Summary - May 2015. Collection method: clinical testing. Allele origin: germline.
Comment: Variant summary: RAPSN c.493G>A (p.Val165Met) results in a conservative amino acid change located in the MalT-like TPR region (IPR041617) of the encoded protein sequence. Three of five in-silico tools predict a damaging effect of the variant on protein function. The variant allele was found at a frequency of 3.2e-05 in 247282 control chromosomes. The available data on variant occurrences in the general population are insufficient to allow any conclusion about variant significance. c.493G>A has been reported in the literature in multiple individuals affected with Congenital Myasthenic Syndrome (e.g., Richard_2003, Milone_2009, Abicht_2012, Estephan_2018, Natera-deBenito_2017, Denning_2007, Imperatore_2016). These data indicate that the variant is very likely to be associated with disease. To our knowledge, no experimental evidence demonstrating an impact on protein function has been reported. Four ClinVar submitters (evaluation after 2014) have cited the variant, and all laboratories classified the variant as pathogenic (n = 2) or likely pathogenic (n = 2). Based on the evidence outlined above, the variant was classified as pathogenic.

Mayo Clinic Laboratories, Mayo Clinic
Classification: Likely pathogenic. Last evaluated: 2019-07-15. Review status: criteria provided, single submitter. Criteria: ACMG Guidelines, 2015. Collection method: clinical testing. Allele origin: germline. Observed: 1 variant allele.
Comment: PS4_moderate, PM2, PM3

Istanbul Faculty of Medicine, Istanbul University
Classification: Pathogenic for Fetal akinesia deformation sequence 2. Last evaluated: 2022-01-10. Review status: no assertion criteria provided. Collection method: clinical testing. Allele origin: germline. Affected: yes. Observed: 2 variant alleles. Not counted in ClinVar's aggregate classification.
Comment: Lethal phenotype, identified in a sibship of two

Literature cited by the submitters: PubMed 12807980 (cited by 5 submitters); PubMed 19620612 (cited by 5 submitters); PubMed 26927095 (cited by 5 submitters); PubMed 36522822 (cited by Natera, Inc.); PubMed 29054425 (cited by 4 submitters); PubMed 30266223 (cited by 4 submitters); PubMed 38278647 (cited by Variantyx, Inc.); PubMed 22678886 (cited by Women's Health and Genetics/Laboratory Corporation of America, LabCorp); PubMed 17878953 (cited by Women's Health and Genetics/Laboratory Corporation of America, LabCorp); PubMed 16945936 (cited by Mayo Clinic Laboratories, Mayo Clinic); PubMed 17686188 (cited by Mayo Clinic Laboratories, Mayo Clinic).

NM_005055.5(RAPSN):c.493G>A (p.Val165Met)

Gene: RAPSN (receptor associated protein of the synapse; minus strand). Cytogenetic location: 11p11.2.
Variant type: single nucleotide variant.
Coding change: c.493G>A on transcript NM_005055.5 (MANE Select); coding-DNA position 493, G replaced by A.
Protein change: p.Val165Met; replaces valine 165 with methionine.
Molecular consequence: missense variant.
Genome position (GRCh38, 1-based): chr11:47,447,850, C>T on the plus strand (G>A on the coding strand, the complement: RAPSN is on the minus strand). VCF-style: chr11-47447850-C-T. GRCh37 (hg19) VCF-style: chr11-47469402-C-T.
Other names: c.493G>A, p.Val165Met (NM_032645.5); short protein forms V165M.
Identifiers: ClinVar variation 856323 (VCV000856323.35), dbSNP rs761584017, ClinGen allele CA5976731.
Genomic context (GRCh38, chr11:47,447,850, plus strand): 5'-TCCCCCTGGGGTGCAGGCCCACCTTGACCTGGGCATAGAAGCTGCCCAGGCTGCAGCACA[C>T]GCGGCACTCGAGCATGGCGTCATCATTGTTGTGGGCATAGCGCAGGGCCTTCTCGAAGCT-3'
Protein context (NP_005046.2, residues 155-175): NNDDAMLECR[Val165Met]CCSLGSFYAQ